The following is an entry in ClinVar:

ClinVar aggregate classification (germline): Uncertain significance. Review status: criteria provided, single submitter (1 of 4 stars). 2 submissions from 2 submitters: Uncertain significance (1). 1 of the submissions does not count toward it. Last evaluated 2016-10-06.

Conditions:
GLI2-related disorder. Also called: GLI2-related disorders; GLI2-related condition.

Allele frequency attached by ClinVar (database versions not stated): gnomAD 0.00001 and 0.00004; TOPMed 0.00001; 1000 Genomes Project 30x 0.00016; 1000 Genomes Project 0.00020.
gnomAD v4.1: 58 of 1,613,800 alleles (0.0036%); highest among the groups gnomAD compares: East Asian, 0.074%; no homozygotes.

Submissions (2):

Eurofins Ntd Llc (ga)
Classification: Uncertain significance. Last evaluated: 2016-10-06. Review status: criteria provided, single submitter. Criteria: EGL Classification Definitions 2015. Collection method: clinical testing. Allele origin: germline. Observed: 1 variant allele, 1 heterozygote.

PreventionGenetics, part of Exact Sciences
Classification: Likely benign for GLI2-related condition. Last evaluated: 2019-07-02. Review status: no assertion criteria provided. Collection method: clinical testing. Allele origin: germline. Not counted in ClinVar's aggregate classification.
Comment: This variant is classified as likely benign based on ACMG/AMP sequence variant interpretation guidelines (Richards et al. 2015 PMID: 25741868, with internal and published modifications).

NM_001374353.1(GLI2):c.765G>A (p.Ser255=)

Gene: GLI2 (GLI family zinc finger 2; plus strand). Cytogenetic location: 2q14.2.
Variant type: single nucleotide variant.
Coding change: c.765G>A on transcript NM_001374353.1 (MANE Select); coding-DNA position 765, G replaced by A.
Protein change: p.Ser255=; no amino-acid change (serine 255 retained).
Molecular consequence: synonymous variant.
Genome position (GRCh38, 1-based): chr2:120,968,835, G>A. VCF-style: chr2-120968835-G-A. GRCh37 (hg19) VCF-style: chr2-121726411-G-A.
Other names: c.765G>A, p.Ser255= (NM_001371271.1, NM_005270.5); c.390G>A, p.Ser130= (NM_001374354.1); c.765G>A (NM_005270.4).
Identifiers: ClinVar variation 497428 (VCV000497428.7), dbSNP rs200901345, ClinGen allele CA1851654.
Genomic context (GRCh38, chr2:120,968,835, plus strand): 5'-CTCCCCACTCTCAGACGCCAGCCTGGACCTGCAGCGGATGATCCGCACCTCACCCAACTC[G>A]CTAGTGGCCTACATCAACAACTCCCGAAGCAGCTCGGCGGCCAGCGGTTCCTACGGGCAT-3'
Protein context (NP_001361282.1, residues 245-265): LQRMIRTSPN[Ser255=]LVAYINNSRS